The following is an entry in ClinVar:

NM_000059.4(BRCA2):c.1690C>G (p.Pro564Ala)

Gene: BRCA2 (BRCA2 DNA repair associated; plus strand). Cytogenetic location: 13q13.1.
Variant type: single nucleotide variant.
Coding change: c.1690C>G on transcript NM_000059.4 (MANE Select); coding-DNA position 1690, C replaced by G.
Protein change: p.Pro564Ala; replaces proline 564 with alanine.
Molecular consequence: missense variant. On other transcripts: non-coding transcript variant (1), intron variant (1).
Genome position (GRCh38, 1-based): chr13:32,333,168, C>G. VCF-style: chr13-32333168-C-G. GRCh37 (hg19) VCF-style: chr13-32907305-C-G.
Other names: c.1690C>G, p.Pro564Ala (NM_001406719.1, NM_001406720.1, NM_001406721.1 and 1 more transcripts); c.424+2138C>G (NM_001406722.1); short protein forms P564A.
Identifiers: ClinVar variation 4802278 (VCV004802278.1).

ClinVar aggregate classification (germline): Uncertain significance (1 of 4 stars; one submission).

Conditions:
Hereditary breast ovarian cancer syndrome. Also called: Hereditary breast and ovarian cancer syndrome (HBOC); Hereditary breast and ovarian cancer; Breast and ovarian cancer; Hereditary breast and/or ovarian cancer syndrome; BRCA1- and BRCA2-Associated Hereditary Breast and Ovarian Cancer; Hereditary breast and ovarian cancer syndrome. Identifiers: Orphanet 145, MedGen C0677776, MeSH D061325, MONDO:0003582. Disease mechanism: loss of function.

Submission:

Labcorp Genetics (formerly Invitae), Labcorp
Classification: Uncertain significance for Hereditary breast ovarian cancer syndrome. Last evaluated: 2025-03-05. Review status: criteria provided, single submitter. Criteria: Invitae Variant Classification Sherloc (09022015). Collection method: clinical testing. Allele origin: germline.
Comment: This sequence change replaces proline, which is neutral and non-polar, with alanine, which is neutral and non-polar, at codon 564 of the BRCA2 protein (p.Pro564Ala). This variant is not present in population databases (gnomAD no frequency). This variant has not been reported in the literature in individuals affected with BRCA2-related conditions. Invitae Evidence Modeling of protein sequence and biophysical properties (such as structural, functional, and spatial information, amino acid conservation, physicochemical variation, residue mobility, and thermodynamic stability) indicates that this missense variant is not expected to disrupt BRCA2 protein function with a negative predictive value of 95%. In summary, the available evidence is currently insufficient to determine the role of this variant in disease. Therefore, it has been classified as a Variant of Uncertain Significance.